The following is an entry in ClinVar:

ClinVar aggregate classification (germline): Conflicting classifications of pathogenicity. Review status: criteria provided, conflicting classifications (1 of 4 stars). 3 submissions from 3 submitters: Uncertain significance (1); Likely benign (2). Last evaluated 2026-07-21.

Conditions:
FGG-related disorder. Also called: FGG-related condition.

Submissions (3):

PreventionGenetics, part of Exact Sciences
Classification: Likely benign for FGG-related condition. Last evaluated: 2026-07-21. Review status: criteria provided, single submitter. Criteria: ACMG Guidelines, 2015. Collection method: clinical testing. Allele origin: germline.
Comment: This variant is classified as likely benign based on ACMG/AMP sequence variant interpretation guidelines (Richards et al. 2015 PMID: 25741868, with internal and published modifications).

Labcorp Genetics (formerly Invitae), Labcorp
Classification: Likely benign. Last evaluated: 2025-06-10. Review status: criteria provided, single submitter. Criteria: Invitae Variant Classification Sherloc (09022015). Collection method: clinical testing. Allele origin: germline.

Mayo Clinic Laboratories, Mayo Clinic
Classification: Uncertain significance. Last evaluated: 2025-03-20. Review status: criteria provided, single submitter. Criteria: ACMG Guidelines, 2015. Collection method: clinical testing. Allele origin: germline. Observed: 1 variant allele.

NM_021870.3(FGG):c.280T>A (p.Tyr94Asn)

Gene: FGG (fibrinogen gamma chain; minus strand). Cytogenetic location: 4q32.1.
Variant type: single nucleotide variant.
Coding change: c.280T>A on transcript NM_021870.3 (MANE Select); coding-DNA position 280, T replaced by A.
Protein change: p.Tyr94Asn; replaces tyrosine 94 with asparagine.
Molecular consequence: missense variant.
Genome position (GRCh38, 1-based): chr4:154,612,045, A>T on the plus strand (T>A on the coding strand, the complement: FGG is on the minus strand). VCF-style: chr4-154612045-A-T. GRCh37 (hg19) VCF-style: chr4-155533197-A-T.
Other names: p.Tyr94Asn; c.280T>A (NM_000509.5); c.280T>A, p.Tyr94Asn (NM_000509.6); short protein forms Y94N.
Identifiers: ClinVar variation 3663322 (VCV003663322.4).